The following is an entry in ClinVar:

NM_004999.4(MYO6):c.827G>A (p.Arg276Gln)

Gene: MYO6 (myosin VI; plus strand). Cytogenetic location: 6q14.1.
Variant type: single nucleotide variant.
Coding change: c.827G>A on transcript NM_004999.4 (MANE Select); coding-DNA position 827, G replaced by A.
Protein change: p.Arg276Gln; replaces arginine 276 with glutamine.
Molecular consequence: missense variant. On other transcripts: non-coding transcript variant (1).
Genome position (GRCh38, 1-based): chr6:75,844,907, G>A. VCF-style: chr6-75844907-G-A. GRCh37 (hg19) VCF-style: chr6-76554624-G-A.
Other names: c.827G>A, p.Arg276Gln (NM_001300899.2, NM_001368136.1, NM_001368137.1 and 2 more transcripts); c.812G>A, p.Arg271Gln (NM_001368138.1); short protein forms R276Q, R271Q.
Identifiers: ClinVar variation 4987921 (VCV004987921.1).

ClinVar aggregate classification (germline): Uncertain significance (1 of 4 stars; one submission).

Conditions:
MYO6-related disorder. Also called: MYO6-related disorders; MYO6-related condition.

gnomAD v4.1: 15 of 1,611,560 alleles (0.00093%); highest among the groups gnomAD compares: African/African-American, 0.0054%; no homozygotes.

Submission:

PreventionGenetics, part of Exact Sciences
Classification: Uncertain significance for MYO6-related condition. Last evaluated: 2026-01-12. Review status: criteria provided, single submitter. Criteria: ACMG Guidelines, 2015. Collection method: clinical testing. Allele origin: germline.
Comment: The MYO6 c.827G>A variant is predicted to result in the amino acid substitution p.Arg276Gln. To our knowledge, this variant has not been reported in the literature. This variant is reported in 0.016% of alleles in individuals of African descent in gnomAD. At this time, the clinical significance of this variant is uncertain due to the absence of conclusive functional and genetic evidence.